The following is an entry in ClinVar:

NM_001370.2(DNAH6):c.11612-9A>G

Gene: DNAH6 (dynein axonemal heavy chain 6; plus strand). Cytogenetic location: 2p11.2.
Variant type: single nucleotide variant.
Coding change: c.11612-9A>G on transcript NM_001370.2 (MANE Select); 9 bases into the intron before coding-DNA position 11612, A replaced by G.
Molecular consequence: intron variant.
Genome position (GRCh38, 1-based): chr2:84,808,406, A>G. VCF-style: chr2-84808406-A-G. GRCh37 (hg19) VCF-style: chr2-85035530-A-G.
Identifiers: ClinVar variation 3037684 (VCV003037684.2), dbSNP rs182828949, ClinGen allele CA1737812.

ClinVar aggregate classification (germline): Likely benign (0 of 4 stars; one submission).

Conditions:
DNAH6-related disorder. Also called: DNAH6-related condition.

Allele frequency attached by ClinVar (database versions not stated): gnomAD 0.00008; gnomAD exomes 0.00008; TOPMed 0.00008; 1000 Genomes Project 30x 0.00016; 1000 Genomes Project 0.00020; ExAC 0.00034.
gnomAD v4.1: 130 of 1,527,772 alleles (0.0085%); highest among the groups gnomAD compares: Admixed American, 0.037%; no homozygotes.

Submission:

PreventionGenetics, part of Exact Sciences
Classification: Likely benign for DNAH6-related condition. Last evaluated: 2019-05-06. Review status: no assertion criteria provided. Collection method: clinical testing. Allele origin: germline.
Comment: This variant is classified as likely benign based on ACMG/AMP sequence variant interpretation guidelines (Richards et al. 2015 PMID: 25741868, with internal and published modifications).